The following is an entry in ClinVar:

ClinVar aggregate classification (germline): Uncertain significance. Review status: criteria provided, multiple submitters, no conflicts (2 of 4 stars). 4 submissions from 4 submitters: Uncertain significance (3). 1 of the submissions does not count toward it. Last evaluated 2025-02-27.

Conditions:
Fanconi anemia (FA). Also called: Fanconi's anemia. Identifiers: Orphanet 84, MedGen C0015625, MeSH D005199, MONDO:0019391.

Allele frequency attached by ClinVar (database versions not stated): gnomAD exomes below 0.00001; TOPMed 0.00001; ESP Exome Variant Server 0.00008.
gnomAD v4.1: 7 of 1,613,970 alleles (0.00043%); highest among the groups gnomAD compares: Non-Finnish European, 0.00051%; no homozygotes.

Submissions (4):

Quest Diagnostics Nichols Institute San Juan Capistrano
Classification: Uncertain significance. Last evaluated: 2025-02-27. Review status: criteria provided, single submitter. Criteria: Quest Diagnostics criteria. Collection method: clinical testing. Allele origin: unknown.
Comment: The FANCA c.2812G>C (p.Glu938Gln) variant has not been reported in individuals with FANCA-related conditions in the published literature. The frequency of this variant in the general population (Genome Aggregation Database) is uninformative in the assessment of its pathogenicity. Analysis of this variant using bioinformatics tools for the prediction of the effect of amino acid changes on protein structure and function yielded conflicting predictions that this variant is benign or damaging. Based on the available information, we are unable to determine the clinical significance of this variant.

Blueprint Genetics
Classification: Uncertain significance. Last evaluated: 2024-07-13. Review status: criteria provided, single submitter. Criteria: ACMG Guidelines, 2015. Collection method: clinical testing. Allele origin: germline.

Labcorp Genetics (formerly Invitae), Labcorp
Classification: Uncertain significance for Fanconi anemia. Last evaluated: 2022-01-31. Review status: criteria provided, single submitter. Criteria: Invitae Variant Classification Sherloc (09022015). Collection method: clinical testing. Allele origin: germline.
Comment: This sequence change replaces glutamic acid, which is acidic and polar, with glutamine, which is neutral and polar, at codon 938 of the FANCA protein (p.Glu938Gln). This variant is not present in population databases (gnomAD no frequency). This variant has not been reported in the literature in individuals affected with FANCA-related conditions. ClinVar contains an entry for this variant (Variation ID: 971480). Advanced modeling of protein sequence and biophysical properties (such as structural, functional, and spatial information, amino acid conservation, physicochemical variation, residue mobility, and thermodynamic stability) performed at Invitae indicates that this missense variant is not expected to disrupt FANCA protein function. In summary, the available evidence is currently insufficient to determine the role of this variant in disease. Therefore, it has been classified as a Variant of Uncertain Significance.

Natera, Inc.
Classification: Uncertain significance for Fanconi anemia. Last evaluated: 2020-05-28. Review status: no assertion criteria provided. Collection method: clinical testing. Allele origin: germline. Not counted in ClinVar's aggregate classification.

NM_000135.4(FANCA):c.2812G>C (p.Glu938Gln)

Gene: FANCA (FA complementation group A; minus strand). Cytogenetic location: 16q24.3.
Variant type: single nucleotide variant.
Coding change: c.2812G>C on transcript NM_000135.4 (MANE Select); coding-DNA position 2812, G replaced by C.
Protein change: p.Glu938Gln; replaces glutamic acid 938 with glutamine.
Molecular consequence: missense variant.
Genome position (GRCh38, 1-based): chr16:89,761,989, C>G on the plus strand (G>C on the coding strand, the complement: FANCA is on the minus strand). VCF-style: chr16-89761989-C-G. GRCh37 (hg19) VCF-style: chr16-89828397-C-G.
Other names: c.2812G>C, p.Glu938Gln (NM_001286167.3); c.2812G>C (NM_000135.3); short protein forms E938Q.
Identifiers: ClinVar variation 971480 (VCV000971480.8), dbSNP rs376106733, ClinGen allele CA286552408.